The following is an entry in ClinVar:

ClinVar aggregate classification (germline): Likely pathogenic (1 of 4 stars; one submission).

Conditions:
Bloom syndrome (BLM). Also called: Bloom-Torre-Machacek syndrome. Identifiers: Orphanet 125, MedGen C0005859, MONDO:0008876, OMIM 210900.

Submission:

Natera, Inc.
Classification: Likely pathogenic for Bloom syndrome. Last evaluated: 2024-08-08. Review status: criteria provided, single submitter. Criteria: Natera Variant Classification Schema (03/2026). Collection method: clinical testing. Allele origin: germline.
Comment: The c.530_531delTT variant in BLM is a frameshift variant predicted to shift the reading frame beginning at codon 177 and leads to a stop codon 13 codons downstream. This variant is expected to result in nonsense mediated decay, truncation, or a dysfunctional protein product. This variant is rare in the general population with a frequency below the threshold expected for the associated phenotype(s). Given the available evidence, this variant is classified as Likely Pathogenic.

NM_000057.4(BLM):c.530_531del (p.Phe177fs)

Gene: BLM (BLM RecQ like helicase; plus strand). Cytogenetic location: 15q26.1.
Variant type: Deletion.
Coding change: c.530_531del on transcript NM_000057.4 (MANE Select); coding-DNA positions 530 to 531, 2 bases deleted (TT; older notation c.530_531delTT).
Protein change: p.Phe177fs; shifts the reading frame from phenylalanine 177.
Molecular consequence: frameshift variant. On other transcripts: 5 prime UTR variant (1).
Genome position (GRCh38, 1-based): chr15:90,749,798-90,749,799, TT deleted; deleting any 2 consecutive bases within chr15:90,749,797-90,749,799 gives the same sequence; the c. name uses the placement nearest the transcript's 3' end. VCF-style (leftmost placement, unchanged base first): chr15-90749796-CTT-C. GRCh37 (hg19) VCF-style: chr15-91293026-CTT-C.
Other names: c.530_531del, p.Phe177fs (NM_001287246.2, NM_001287247.2); c.-762_-761del (NM_001287248.2); short protein forms F177fs.
Identifiers: ClinVar variation 4815900 (VCV004815900.1).